The following is an entry in ClinVar:

ClinVar aggregate classification (germline): Uncertain significance. Review status: criteria provided, multiple submitters, no conflicts (2 of 4 stars). 5 submissions from 5 submitters: Uncertain significance (5). Last evaluated 2025-04-25.

Conditions:
Inborn genetic diseases. Identifiers: MedGen C0950123, MeSH D030342.
Autosomal recessive nonsyndromic hearing loss 3. Also called: NEUROSENSORY NONSYNDROMIC RECESSIVE DEAFNESS 3. Identifiers: Orphanet 90636, MedGen C1838263, MONDO:0010860, OMIM 600316.

Allele frequency attached by ClinVar (database versions not stated): ExAC 0.00004; gnomAD 0.00005; gnomAD exomes 0.00005 and 0.00010; TOPMed 0.00005.
gnomAD v4.1: 164 of 1,609,624 alleles (0.01%); highest among the groups gnomAD compares: Non-Finnish European, 0.013%; no homozygotes.

Submissions (5):

Ambry Genetics
Classification: Uncertain significance for Inborn genetic diseases. Last evaluated: 2025-04-25. Review status: criteria provided, single submitter. Criteria: Ambry Variant Classification Scheme 2023. Collection method: clinical testing. Allele origin: germline.

Blueprint Genetics
Classification: Uncertain significance. Last evaluated: 2024-11-07. Review status: criteria provided, single submitter. Criteria: ACMG Guidelines, 2015. Collection method: clinical testing. Allele origin: germline.

GeneDx
Classification: Uncertain significance. Last evaluated: 2023-03-30. Review status: criteria provided, single submitter. Criteria: GeneDx Variant Classification Process June 2021. Collection method: clinical testing. Allele origin: germline. Affected: yes.
Comment: In silico analysis supports that this missense variant does not alter protein structure/function; Has not been previously published as pathogenic or benign to our knowledge

Labcorp Genetics (formerly Invitae), Labcorp
Classification: Uncertain significance. Last evaluated: 2022-10-21. Review status: criteria provided, single submitter. Criteria: Invitae Variant Classification Sherloc (09022015). Collection method: clinical testing. Allele origin: germline.
Comment: This sequence change replaces glycine, which is neutral and non-polar, with valine, which is neutral and non-polar, at codon 177 of the MYO15A protein (p.Gly177Val). This variant is present in population databases (rs772969960, gnomAD 0.009%). This variant has not been reported in the literature in individuals affected with MYO15A-related conditions. ClinVar contains an entry for this variant (Variation ID: 1315024). Advanced modeling of protein sequence and biophysical properties (such as structural, functional, and spatial information, amino acid conservation, physicochemical variation, residue mobility, and thermodynamic stability) performed at Invitae indicates that this missense variant is not expected to disrupt MYO15A protein function. In summary, the available evidence is currently insufficient to determine the role of this variant in disease. Therefore, it has been classified as a Variant of Uncertain Significance.

Fulgent Genetics
Classification: Uncertain significance for Autosomal recessive nonsyndromic hearing loss 3. Last evaluated: 2021-09-23. Review status: criteria provided, single submitter. Criteria: ACMG Guidelines, 2015. Collection method: clinical testing. Allele origin: unknown.

NM_016239.4(MYO15A):c.530G>T (p.Gly177Val)

Gene: MYO15A (myosin XVA; plus strand). Cytogenetic location: 17p11.2.
Variant type: single nucleotide variant.
Coding change: c.530G>T on transcript NM_016239.4 (MANE Select); coding-DNA position 530, G replaced by T.
Protein change: p.Gly177Val; replaces glycine 177 with valine.
Molecular consequence: missense variant.
Genome position (GRCh38, 1-based): chr17:18,119,330, G>T. VCF-style: chr17-18119330-G-T. GRCh37 (hg19) VCF-style: chr17-18022644-G-T.
Other names: short protein forms G177V.
Identifiers: ClinVar variation 1315024 (VCV001315024.7), dbSNP rs772969960, ClinGen allele CA8422866.